The following is an entry in ClinVar:

ClinVar aggregate classification (germline): Uncertain significance (0 of 4 stars; one submission).

Conditions:
KDM6B-related disorder. Also called: KDM6B-related condition.

Submission:

PreventionGenetics, part of Exact Sciences
Classification: Uncertain significance for KDM6B-related condition. Last evaluated: 2024-07-03. Review status: no assertion criteria provided. Collection method: clinical testing. Allele origin: germline.
Comment: The KDM6B c.4574T>A variant is predicted to result in the amino acid substitution p.Val1525Asp. To our knowledge, this variant has not been reported in the literature or in a large population database, indicating this variant is rare. At this time, the clinical significance of this variant is uncertain due to the absence of conclusive functional and genetic evidence.

NM_001348716.2(KDM6B):c.4574T>A (p.Val1525Asp)

Genes: KDM6B (lysine demethylase 6B; plus strand), LOC121587574 (Sharpr-MPRA regulatory region 3930; plus strand). Cytogenetic location: 17p13.1.
Variant type: single nucleotide variant.
Coding change: c.4574T>A on transcript NM_001348716.2 (MANE Select); coding-DNA position 4574, T replaced by A.
Protein change: p.Val1525Asp; replaces valine 1525 with aspartic acid.
Molecular consequence: missense variant.
Genome position (GRCh38, 1-based): chr17:7,852,600, T>A. VCF-style: chr17-7852600-T-A. GRCh37 (hg19) VCF-style: chr17-7755918-T-A.
Other names: c.4574T>A, p.Val1525Asp (NM_001080424.2); short protein forms V1525D.
Identifiers: ClinVar variation 3347676 (VCV003347676.1).
Genomic context (GRCh38, chr17:7,852,600, plus strand): 5'-TGAAGAACGTCAAATCCATCGTGCCCATGATTCACGTGTCATGGAACGTGGCTCGCACGG[T>A]CAAAATCAGCGACCCCGACTTGTTCAAGATGATCAAGTGAGGACCCTATTTGGGTGGGAG-3'
Protein context (NP_001335645.1, residues 1515-1535): IHVSWNVART[Val1525Asp]KISDPDLFKM